The following is an entry in ClinVar:

NM_004415.4(DSP):c.5524A>T (p.Thr1842Ser)

Gene: DSP (desmoplakin; plus strand). Cytogenetic location: 6p24.3.
Variant type: single nucleotide variant.
Coding change: c.5524A>T on transcript NM_004415.4 (MANE Select); coding-DNA position 5524, A replaced by T.
Protein change: p.Thr1842Ser; replaces threonine 1842 with serine.
Molecular consequence: missense variant.
Genome position (GRCh38, 1-based): chr6:7,582,786, A>T. VCF-style: chr6-7582786-A-T. GRCh37 (hg19) VCF-style: chr6-7583019-A-T.
Other names: c.3727A>T, p.Thr1243Ser (NM_001008844.3); c.4195A>T, p.Thr1399Ser (NM_001319034.2); short protein forms T1243S, T1399S, T1842S.
Identifiers: ClinVar variation 2691170 (VCV002691170.2), dbSNP rs2533936271, ClinGen allele CA362688811.

ClinVar aggregate classification (germline): Uncertain significance. Review status: criteria provided, multiple submitters, no conflicts (2 of 4 stars). 2 submissions from 2 submitters: Uncertain significance (2). Last evaluated 2026-06-27.

Conditions:
Cardiovascular phenotype. Identifiers: MedGen CN230736.
Cardiomyopathy (CMYO). Also called: Cardiomyopathies. Identifiers: Orphanet 167848, MedGen C0878544, MONDO:0004994, HP:0001638. Inheritance: Various modes of inheritance.

gnomAD v4.1: 1 of 1,613,982 alleles (0.000062%); highest among the groups gnomAD compares: African/African-American, 0.0013%; no homozygotes.

Submissions (2):

Ambry Genetics
Classification: Uncertain significance for Cardiovascular phenotype. Last evaluated: 2026-06-27. Review status: criteria provided, single submitter. Criteria: Ambry Variant Classification Scheme 2023. Collection method: clinical testing. Allele origin: germline.
Comment: The p.T1842S variant (also known as c.5524A>T), located in coding exon 24 of the DSP gene, results from an A to T substitution at nucleotide position 5524. The threonine at codon 1842 is replaced by serine, an amino acid with similar properties. This amino acid position is conserved. In addition, this alteration is predicted to be tolerated by in silico analysis. Based on the available evidence, the clinical significance of this variant remains unclear.

CHEO Genetics Diagnostic Laboratory, Children's Hospital of Eastern Ontario
Classification: Uncertain significance for Cardiomyopathy. Last evaluated: 2022-07-06. Review status: criteria provided, single submitter. Criteria: ACMG Guidelines, 2015. Collection method: clinical testing. Allele origin: germline.